The following is an entry in ClinVar:

ClinVar aggregate classification (germline): Uncertain significance (1 of 4 stars; one submission).

Conditions:
Actin accumulation myopathy (CMYO2A). Also called: Myopathy, actin, congenital, with cores; Nemaline myopathy 3, with intranuclear rods; Nemaline myopathy type 3; Myopathy, actin, congenital, with excess of thin myofilaments; CONGENITAL MYOPATHY 2A, TYPICAL, AUTOSOMAL DOMINANT. Identifiers: Orphanet 98904, MedGen C3711389, MONDO:0008070, OMIM 161800.

Submission:

Labcorp Genetics (formerly Invitae), Labcorp
Classification: Uncertain significance for Actin accumulation myopathy. Last evaluated: 2022-03-14. Review status: criteria provided, single submitter. Criteria: Invitae Variant Classification Sherloc (09022015). Collection method: clinical testing. Allele origin: germline.
Comment: In summary, the available evidence is currently insufficient to determine the role of this variant in disease. Therefore, it has been classified as a Variant of Uncertain Significance. Advanced modeling of protein sequence and biophysical properties (such as structural, functional, and spatial information, amino acid conservation, physicochemical variation, residue mobility, and thermodynamic stability) performed at Invitae indicates that this missense variant is expected to disrupt ACTA1 protein function. This variant has not been reported in the literature in individuals affected with ACTA1-related conditions. This variant is not present in population databases (gnomAD no frequency). This sequence change replaces lysine, which is basic and polar, with glutamine, which is neutral and polar, at codon 120 of the ACTA1 protein (p.Lys120Gln).

NM_001100.4(ACTA1):c.358A>C (p.Lys120Gln)

Gene: ACTA1 (actin alpha 1, skeletal muscle; minus strand). Cytogenetic location: 1q42.13.
Variant type: single nucleotide variant.
Coding change: c.358A>C on transcript NM_001100.4 (MANE Select); coding-DNA position 358, A replaced by C.
Protein change: p.Lys120Gln; replaces lysine 120 with glutamine.
Molecular consequence: missense variant.
Genome position (GRCh38, 1-based): chr1:229,432,652, T>G on the plus strand (A>C on the coding strand, the complement: ACTA1 is on the minus strand). VCF-style: chr1-229432652-T-G. GRCh37 (hg19) VCF-style: chr1-229568399-T-G.
Other names: short protein forms K120Q.
Identifiers: ClinVar variation 2112241 (VCV002112241.4), dbSNP rs2527438996, ClinGen allele CA345149682.